The following is an entry in ClinVar:

NM_152703.5(SAMD9L):c.3539G>T (p.Trp1180Leu)

Gene: SAMD9L (sterile alpha motif domain containing 9 like; minus strand). Cytogenetic location: 7q21.2.
Variant type: single nucleotide variant.
Coding change: c.3539G>T on transcript NM_152703.5 (MANE Select); coding-DNA position 3539, G replaced by T.
Protein change: p.Trp1180Leu; replaces tryptophan 1180 with leucine.
Molecular consequence: missense variant.
Genome position (GRCh38, 1-based): chr7:93,132,433, C>A on the plus strand (G>T on the coding strand, the complement: SAMD9L is on the minus strand). VCF-style: chr7-93132433-C-A. GRCh37 (hg19) VCF-style: chr7-92761746-C-A.
Other names: c.3539G>T, p.Trp1180Leu (NM_001303496.3, NM_001303497.3, NM_001303498.3 and 5 more transcripts); short protein forms W1180L.
Identifiers: ClinVar variation 3637886 (VCV003637886.2).

ClinVar aggregate classification (germline): Uncertain significance (1 of 4 stars; one submission).

Submission:

Labcorp Genetics (formerly Invitae), Labcorp
Classification: Uncertain significance. Last evaluated: 2024-01-31. Review status: criteria provided, single submitter. Criteria: Invitae Variant Classification Sherloc (09022015). Collection method: clinical testing. Allele origin: germline.
Comment: This sequence change replaces tryptophan, which is neutral and slightly polar, with leucine, which is neutral and non-polar, at codon 1180 of the SAMD9L protein (p.Trp1180Leu). This variant is not present in population databases (gnomAD no frequency). This variant has not been reported in the literature in individuals affected with SAMD9L-related conditions. An algorithm developed to predict the effect of missense changes on protein structure and function (PolyPhen-2) suggests that this variant is likely to be tolerated. In summary, the available evidence is currently insufficient to determine the role of this variant in disease. Therefore, it has been classified as a Variant of Uncertain Significance.